The following is an entry in ClinVar:

NM_001414.4(EIF2B1):c.25_26del (p.Tyr9fs)

Gene: EIF2B1 (eukaryotic translation initiation factor 2B subunit alpha; minus strand). Cytogenetic location: 12q24.31.
Variant type: Deletion.
Coding change: c.25_26del on transcript NM_001414.4 (MANE Select); coding-DNA positions 25 to 26, 2 bases deleted (TA; older notation c.25_26delTA).
Protein change: p.Tyr9fs; shifts the reading frame from tyrosine 9.
Molecular consequence: frameshift variant.
Genome position (GRCh38, 1-based): chr12:123,632,434-123,632,435, TA deleted on the plus strand (TA on the coding strand, the reverse complement: EIF2B1 is on the minus strand); deleting any 2 consecutive bases within chr12:123,632,434-123,632,436 gives the same sequence; the c. name uses the placement nearest the transcript's 3' end. VCF-style (leftmost placement, unchanged base first): chr12-123632433-GTA-G. GRCh37 (hg19) VCF-style: chr12-124116980-GTA-G.
Other names: short protein forms Y9fs.
Identifiers: ClinVar variation 2874636 (VCV002874636.5), dbSNP rs1381188740, ClinGen allele CA684679133.

ClinVar aggregate classification (germline): Pathogenic/Likely pathogenic. Review status: criteria provided, multiple submitters, no conflicts (2 of 4 stars). 2 submissions from 2 submitters: Pathogenic (1); Likely pathogenic (1). Last evaluated 2025-06-03.

Conditions:
Leukoencephalopathy with vanishing white matter 1 (VWM1). Also called: CHILDHOOD ATAXIA WITH CENTRAL NERVOUS SYSTEM HYPOMYELINIZATION; Cree leukoencephalopathy; Vanishing white matter leukodystrophy; EIF2B1-Related Childhood Ataxia with Central Nervous System Hypomyelination/Vanishing White Matter. Identifiers: Orphanet 99854, MedGen C5779972, MONDO:0020507, OMIM 603896.

Submissions (2):

Dasa
Classification: Likely pathogenic for Leukoencephalopathy with vanishing white matter 1. Last evaluated: 2025-06-03. Review status: criteria provided, single submitter. Criteria: DASA Assertion Criteria. Collection method: clinical testing. Allele origin: germline.
Comment: NM_001414.4(EIF2B1):c.25_26del (p.Tyr9Leufs*2) is a frameshift variant in EIF2B1 predicted to alter the reading frame and introduce a premature termination codon and is predicted to result in an absent or altered protein product. Loss of function is an established disease mechanism for EIF2B1-associated disorders. Also, this variant is rare in population databases. Based on the currently available evidence, this variant is classified as likely pathogenic.

Labcorp Genetics (formerly Invitae), Labcorp
Classification: Pathogenic. Last evaluated: 2022-11-18. Review status: criteria provided, single submitter. Criteria: Invitae Variant Classification Sherloc (09022015). Collection method: clinical testing. Allele origin: germline.
Comment: This variant is not present in population databases (gnomAD no frequency). This sequence change creates a premature translational stop signal (p.Tyr9Leufs*2) in the EIF2B1 gene. It is expected to result in an absent or disrupted protein product. Loss-of-function variants in EIF2B1 are known to be pathogenic (PMID: 11835386, 32865661). This variant has not been reported in the literature in individuals affected with EIF2B1-related conditions. For these reasons, this variant has been classified as Pathogenic.

Literature cited by the submitters: PubMed 11835386 (cited by Labcorp Genetics (formerly Invitae), Labcorp); PubMed 32865661 (cited by Labcorp Genetics (formerly Invitae), Labcorp).